The following is an entry in ClinVar:

NM_001122630.2(CDKN1C):c.848C>G (p.Pro283Arg)

Gene: CDKN1C (cyclin dependent kinase inhibitor 1C; minus strand). Cytogenetic location: 11p15.4.
Variant type: single nucleotide variant.
Coding change: c.848C>G on transcript NM_001122630.2 (MANE Select); coding-DNA position 848, C replaced by G.
Protein change: p.Pro283Arg; replaces proline 283 with arginine.
Molecular consequence: missense variant.
Genome position (GRCh38, 1-based): chr11:2,884,074, G>C on the plus strand (C>G on the coding strand, the complement: CDKN1C is on the minus strand). VCF-style: chr11-2884074-G-C. GRCh37 (hg19) VCF-style: chr11-2905304-G-C.
Other names: c.881C>G, p.Pro294Arg (NM_000076.2, NM_001362474.2); c.848C>G, p.Pro283Arg (NM_001122631.2); c.316C>G, p.Arg106Gly (NM_001362475.2); short protein forms P283R, R106G, P294R.
Identifiers: ClinVar variation 1437341 (VCV001437341.8), dbSNP rs2133780137, ClinGen allele CA379144904.
Genomic context (GRCh38, chr11:2,884,074, plus strand): 5'-CTCTTGCGCGGGGTCTGCTCCACCGAGCCCACGCCAGGGGCGGCGCTTGGAGAGGGACAC[G>C]GCGCGGGGACATCGCCCGACGACTTCTCAGGCGCTGATCTCTTGCGCTTGGCGAAGAAAT-3'
Protein context (NP_001116102.1, residues 273-293): PEKSSGDVPA[Pro283Arg]CPSPSAAPGV

ClinVar aggregate classification (germline): Uncertain significance (1 of 4 stars; one submission).

Conditions:
Beckwith-Wiedemann syndrome (BWS). Also called: EMG SYNDROME; Exomphalos macroglossia gigantism syndrome. Identifiers: Orphanet 116, MedGen C0004903, MONDO:0007534, OMIM 130650.

Submission:

Labcorp Genetics (formerly Invitae), Labcorp
Classification: Uncertain significance for Beckwith-Wiedemann syndrome. Last evaluated: 2024-02-20. Review status: criteria provided, single submitter. Criteria: Invitae Variant Classification Sherloc (09022015). Collection method: clinical testing. Allele origin: germline.
Comment: This sequence change replaces proline, which is neutral and non-polar, with arginine, which is basic and polar, at codon 294 of the CDKN1C protein (p.Pro294Arg). This variant is not present in population databases (gnomAD no frequency). This variant has not been reported in the literature in individuals affected with CDKN1C-related conditions. ClinVar contains an entry for this variant (Variation ID: 1437341). Advanced modeling of protein sequence and biophysical properties (such as structural, functional, and spatial information, amino acid conservation, physicochemical variation, residue mobility, and thermodynamic stability) performed at Invitae indicates that this missense variant is not expected to disrupt CDKN1C protein function with a negative predictive value of 80%. In summary, the available evidence is currently insufficient to determine the role of this variant in disease. Therefore, it has been classified as a Variant of Uncertain Significance.